The following is an entry in ClinVar:

NM_153033.5(KCTD7):c.*708C>T

Gene: KCTD7 (potassium channel tetramerization domain containing 7; plus strand). Cytogenetic location: 7q11.21.
Variant type: single nucleotide variant.
Coding change: c.*708C>T on transcript NM_153033.5 (MANE Select); 708 bases downstream of the stop codon, C replaced by T.
Molecular consequence: 3 prime UTR variant. On other transcripts: intron variant (1).
Genome position (GRCh38, 1-based): chr7:66,639,940, C>T. VCF-style: chr7-66639940-C-T. GRCh37 (hg19) VCF-style: chr7-66104927-C-T.
Other names: c.867-454C>T (NM_001167961.2).
Identifiers: ClinVar variation 360595 (VCV000360595.6), dbSNP rs79736939, ClinGen allele CA10629371.
Genomic context (GRCh38, chr7:66,639,940, plus strand): 5'-GGCCTTAGAAAACCACAATGTTTACAGCCCTGTCTTAGGGCCGCGGCTTCTCTTATCTTC[C>T]ACCACCTTCCTTGCTTGCAGGGTTATCTTCTCACAGGGCTGGAATGCAAATTTCAGAGGC-3'

ClinVar aggregate classification (germline): Benign. Review status: criteria provided, multiple submitters, no conflicts (2 of 4 stars). 2 submissions from 2 submitters: Benign (2). Last evaluated 2018-01-13.

Conditions:
Progressive myoclonic epilepsy type 3. Also called: EPILEPSY, PROGRESSIVE MYOCLONIC, 3, WITH OR WITHOUT INTRACELLULAR INCLUSIONS; CEROID LIPOFUSCINOSIS, NEURONAL, 14; EPILEPSY, PROGRESSIVE MYOCLONIC, 3, WITHOUT INTRACELLULAR INCLUSIONS; KCTD7-Related Progressive Myoclonic Epilepsy. Identifiers: Orphanet 263516, MedGen C2673257, MONDO:0012721, OMIM 611726.

Allele frequency attached by ClinVar (database versions not stated): 1000 Genomes Project 30x 0.01530; 1000 Genomes Project 0.01617; gnomAD 0.02438 and 0.02502; TOPMed 0.02736; gnomAD exomes 0.03513.
gnomAD v4.1: 42,192 of 1,247,418 alleles (3.4%); highest among the groups gnomAD compares: Admixed American, 3.8%; 844 homozygotes.

Submissions (2):

Illumina Laboratory Services, Illumina
Classification: Benign for Progressive myoclonic epilepsy type 3. Last evaluated: 2018-01-13. Review status: criteria provided, single submitter. Criteria: ICSL Variant Classification Criteria 13 December 2019. Collection method: clinical testing. Allele origin: germline.
Comment: This variant was observed in the ICSL laboratory as part of a predisposition screen in an ostensibly healthy population. It had not been previously curated by ICSL or reported in the Human Gene Mutation Database (HGMD: prior to June 1st, 2018), and was therefore a candidate for classification through an automated scoring system. Utilizing variant allele frequency, disease prevalence and penetrance estimates, and inheritance mode, an automated score was calculated to assess if this variant is too frequent to cause the disease. Based on the score and internal cut-off values, a variant classified as benign is not then subjected to further curation. The score for this variant resulted in a classification of benign for this disease.

Breakthrough Genomics
Classification: Benign. Review status: criteria provided, single submitter. Criteria: ACMG Guidelines, 2015. Collection method: not provided. Allele origin: germline. Inheritance: Autosomal recessive inheritance. Affected: yes.